The following is an entry in ClinVar:

ClinVar aggregate classification (germline): Uncertain significance (1 of 4 stars; one submission).

Allele frequency attached by ClinVar (database versions not stated): gnomAD exomes below 0.00001.
gnomAD v4.1: 1 of 1,613,800 alleles (0.000062%); highest among the groups gnomAD compares: Non-Finnish European, 0.000085%; no homozygotes.

Submission:

Labcorp Genetics (formerly Invitae), Labcorp
Classification: Uncertain significance. Last evaluated: 2025-06-08. Review status: criteria provided, single submitter. Criteria: Invitae Variant Classification Sherloc (09022015). Collection method: clinical testing. Allele origin: germline.
Comment: This sequence change replaces lysine, which is basic and polar, with asparagine, which is neutral and polar, at codon 558 of the CEP63 protein (p.Lys558Asn). This variant is not present in population databases (gnomAD no frequency). This variant has not been reported in the literature in individuals affected with CEP63-related conditions. ClinVar contains an entry for this variant (Variation ID: 1466351). An algorithm developed to predict the effect of missense changes on protein structure and function outputs the following: PolyPhen-2: "Benign". The asparagine amino acid residue is found in multiple mammalian species, which suggests that this missense change does not adversely affect protein function. Algorithms developed to predict the effect of sequence changes on RNA splicing suggest that this variant may disrupt the consensus splice site. In summary, the available evidence is currently insufficient to determine the role of this variant in disease. Therefore, it has been classified as a Variant of Uncertain Significance.

NM_001353108.3(CEP63):c.1674G>T (p.Lys558Asn)

Gene: CEP63 (centrosomal protein 63; plus strand). Cytogenetic location: 3q22.2.
Variant type: single nucleotide variant.
Coding change: c.1674G>T on transcript NM_001353108.3 (MANE Select); coding-DNA position 1674, G replaced by T.
Protein change: p.Lys558Asn; replaces lysine 558 with asparagine.
Molecular consequence: missense variant. On other transcripts: non-coding transcript variant (3), intron variant (17).
Genome position (GRCh38, 1-based): chr3:134,559,150, G>T. VCF-style: chr3-134559150-G-T. GRCh37 (hg19) VCF-style: chr3-134277992-G-T.
Other names: c.1536G>T, p.Lys512Asn (NM_001353109.1); c.1674G>T, p.Lys558Asn (NM_025180.5); c.1467+7138G>T (NM_001353113.1, NM_001353117.2); c.1329+7138G>T (NM_001042384.2, NM_001353124.2, NM_001353123.2); c.1330-2227G>T (NM_001353122.1, NM_001042383.2, NM_001353121.2 and 2 more transcripts); c.1468-2227G>T (NM_001353110.1, NM_001353112.2, NM_001353111.2 and 1 more transcripts); c.1357-2227G>T (NM_001353118.1); c.967-2227G>T (NM_001353126.2); and 1 more; short protein forms K558N, K512N.
Identifiers: ClinVar variation 1466351 (VCV001466351.8), dbSNP rs2110118161, ClinGen allele CA354633574.